The following is an entry in ClinVar:

ClinVar aggregate classification (germline): Uncertain significance. Review status: criteria provided, multiple submitters, no conflicts (2 of 4 stars). 2 submissions from 2 submitters: Uncertain significance (2). Last evaluated 2025-01-21.

Conditions:
Chédiak-Higashi syndrome (CHS). Also called: Chediak-Higashi Syndrome. Identifiers: Orphanet 167, MedGen C0007965, MONDO:0008963, OMIM 214500.
Inborn genetic diseases. Identifiers: MedGen C0950123, MeSH D030342.

Allele frequency attached by ClinVar (database versions not stated): TOPMed below 0.00001; ExAC 0.00001; gnomAD 0.00001; gnomAD exomes 0.00001.
gnomAD v4.1: 10 of 1,611,900 alleles (0.00062%); highest among the groups gnomAD compares: East Asian, 0.0022%; no homozygotes.

Submissions (2):

Ambry Genetics
Classification: Uncertain significance for Inborn genetic diseases. Last evaluated: 2025-01-21. Review status: criteria provided, single submitter. Criteria: Ambry Variant Classification Scheme 2023. Collection method: clinical testing. Allele origin: germline.

Labcorp Genetics (formerly Invitae), Labcorp
Classification: Uncertain significance for Chédiak-Higashi syndrome. Last evaluated: 2021-10-02. Review status: criteria provided, single submitter. Criteria: Invitae Variant Classification Sherloc (09022015). Collection method: clinical testing. Allele origin: germline.
Comment: This sequence change replaces isoleucine with threonine at codon 1838 of the LYST protein (p.Ile1838Thr). The isoleucine residue is weakly conserved and there is a moderate physicochemical difference between isoleucine and threonine. This variant is present in population databases (rs777397133, ExAC 0.002%). This variant has not been reported in the literature in individuals affected with LYST-related conditions. Algorithms developed to predict the effect of missense changes on protein structure and function are either unavailable or do not agree on the potential impact of this missense change (SIFT: "Deleterious"; PolyPhen-2: "Benign"; Align-GVGD: "Class C0"). In summary, the available evidence is currently insufficient to determine the role of this variant in disease. Therefore, it has been classified as a Variant of Uncertain Significance.

NM_000081.4(LYST):c.5513T>C (p.Ile1838Thr)

Gene: LYST (lysosomal trafficking regulator; minus strand). Cytogenetic location: 1q42.3.
Variant type: single nucleotide variant.
Coding change: c.5513T>C on transcript NM_000081.4 (MANE Select); coding-DNA position 5513, T replaced by C.
Protein change: p.Ile1838Thr; replaces isoleucine 1838 with threonine.
Molecular consequence: missense variant.
Genome position (GRCh38, 1-based): chr1:235,775,034, A>G on the plus strand (T>C on the coding strand, the complement: LYST is on the minus strand). VCF-style: chr1-235775034-A-G. GRCh37 (hg19) VCF-style: chr1-235938334-A-G.
Other names: c.5513T>C, p.Ile1838Thr (NM_001301365.1); c.5513T>C (NM_000081.2); short protein forms I1838T.
Identifiers: ClinVar variation 1517968 (VCV001517968.4), dbSNP rs777397133, ClinGen allele CA1466607.